The following is an entry in ClinVar:

NM_000059.4(BRCA2):c.896_897insC (p.Val300fs)

Gene: BRCA2 (BRCA2 DNA repair associated; plus strand). Cytogenetic location: 13q13.1.
Variant type: Insertion.
Coding change: c.896_897insC on transcript NM_000059.4 (MANE Select); coding-DNA positions 896 to 897, C inserted.
Protein change: p.Val300fs; shifts the reading frame from valine 300.
Molecular consequence: frameshift variant.
Genome position: GRCh38 VCF-style: chr13-32332374-T-TC. GRCh37 (hg19) VCF-style: chr13-32906511-T-TC.
Other names: short protein forms V300fs.
Identifiers: ClinVar variation 548346 (VCV000548346.1), dbSNP rs1555281622, ClinGen allele CA658823663.

ClinVar aggregate classification (germline): Pathogenic (3 of 4 stars; one submission).

Conditions:
Breast-ovarian cancer, familial, susceptibility to, 2 (BROVCA2). Also called: BRCA2 Hereditary Breast and Ovarian Cancer. Identifiers: Orphanet 145, MedGen C2675520, MONDO:0012933, OMIM 612555. Disease mechanism: loss of function.

Submission:

Evidence-based Network for the Interpretation of Germline Mutant Alleles (ENIGMA)
Classification: Pathogenic for Breast-ovarian cancer, familial, susceptibility to, 2. Last evaluated: 2017-12-15. Review status: reviewed by expert panel. Criteria: ENIGMA BRCA1/2 Classification Criteria (2017-06-29). Collection method: curation. Allele origin: germline. Study: ENIGMA.
Comment: Variant allele predicted to encode a truncated non-functional protein.